The following is an entry in ClinVar:

NM_007294.4(BRCA1):c.1445T>C (p.Ile482Thr)

Gene: BRCA1 (BRCA1 DNA repair associated; minus strand). Cytogenetic location: 17q21.31.
Variant type: single nucleotide variant.
Coding change: c.1445T>C on transcript NM_007294.4 (MANE Select); coding-DNA position 1445, T replaced by C.
Protein change: p.Ile482Thr; replaces isoleucine 482 with threonine.
Molecular consequence: missense variant. On other transcripts: intron variant (137).
Genome position (GRCh38, 1-based): chr17:43,094,086, A>G on the plus strand (T>C on the coding strand, the complement: BRCA1 is on the minus strand). VCF-style: chr17-43094086-A-G. GRCh37 (hg19) VCF-style: chr17-41246103-A-G.
Other names: c.667+1760T>C (NM_001408421.1, NM_001408431.1, NM_001408424.1); c.784+658T>C (NM_001407991.1, NM_001408407.1, NM_001408402.1 and 13 more transcripts); c.664+658T>C (NM_001408427.1, NM_001408443.1, NM_001408439.1 and 12 more transcripts); c.523+658T>C (NM_001408496.1, NM_001408498.1, NM_001408501.1 and 3 more transcripts); c.646+658T>C (NM_001408460.1, NM_001408454.1, NM_001408410.1 and 11 more transcripts); c.706+658T>C (NM_001408413.1, NM_001408416.1); c.586+658T>C (NM_001408476.1, NM_001408474.1); c.709+658T>C (NM_001408409.1, NM_001408415.1, NM_001408414.1 and 2 more transcripts); and 40 more; short protein forms I186T, I314T, I354T, I355T, I370T, I371T, I393T, I394T.
Identifiers: ClinVar variation 4856552 (VCV004856552.1).

ClinVar aggregate classification (germline): Likely benign (1 of 4 stars; one submission).

Conditions:
Breast-ovarian cancer, familial, susceptibility to, 1 (BROVCA1). Also called: OVARIAN CANCER, SUSCEPTIBILITY TO; BRCA1 Hereditary Breast and Ovarian Cancer. Identifiers: Orphanet 145, MedGen C2676676, MONDO:0011450, OMIM 604370. Disease mechanism: loss of function.

gnomAD v4.1: 1 of 1,614,074 alleles (0.000062%); highest among the groups gnomAD compares: Non-Finnish European, 0.000085%; no homozygotes.

Submission:

Cancer Bioinformatics and Tumour Evolution Laboratory, Monash University
Classification: Likely benign for Breast-ovarian cancer, familial, susceptibility to, 1. Last evaluated: 2026-05-01. Review status: criteria provided, single submitter. Criteria: ClinGen BRCA1 and BRCA2 Guidelines, 2024. Collection method: curation. Allele origin: germline. Inheritance: Autosomal dominant inheritance.
Comment: PMID: 39281752 - A large scale study to determine the case-control LR of BRCA1 and BRCA2 variants. The data was consolidated in the ccLR browser. This variant was found in the browser with a LR of 0.636672344 which is in the intermediate range according to the BRCA1 and BRCA2 VCEP. Hence, no evidence code applied. The variant is also a missense variant outside of a functional domain with no splice impact. BRCA1 and BRCA2 VCEP guidelines recommend application of BP1_Strong (PMID: 39142283)

Literature cited by the submitters: PubMed 39281752.